The following is an entry in ClinVar:

ClinVar aggregate classification (germline): Uncertain significance (1 of 4 stars; one submission).

Conditions:
Familial cold autoinflammatory syndrome 3 (FCAS3). Also called: ANTIBODY DEFICIENCY AND IMMUNE DYSREGULATION, PLCG2-ASSOCIATED; FAMILIAL ATYPICAL COLD URTICARIA. Identifiers: Orphanet 300359, MedGen C3280914, MONDO:0013766, OMIM 614468.

Allele frequency attached by ClinVar (database versions not stated): gnomAD exomes below 0.00001 and 0.00004; ExAC 0.00001; gnomAD 0.00001; TOPMed 0.00002.
gnomAD v4.1: 60 of 1,614,020 alleles (0.0037%); highest among the groups gnomAD compares: Non-Finnish European, 0.005%; no homozygotes.

Submission:

Labcorp Genetics (formerly Invitae), Labcorp
Classification: Uncertain significance for Familial cold autoinflammatory syndrome 3. Last evaluated: 2025-10-18. Review status: criteria provided, single submitter. Criteria: Invitae Variant Classification Sherloc (09022015). Collection method: clinical testing. Allele origin: germline.
Comment: This sequence change replaces aspartic acid, which is acidic and polar, with asparagine, which is neutral and polar, at codon 891 of the PLCG2 protein (p.Asp891Asn). This variant is present in population databases (rs770349960, gnomAD 0.0009%). This variant has not been reported in the literature in individuals affected with PLCG2-related conditions. ClinVar contains an entry for this variant (Variation ID: 1383088). An algorithm developed to predict the effect of missense changes on protein structure and function (PolyPhen-2) suggests that this variant is likely to be tolerated. In summary, the available evidence is currently insufficient to determine the role of this variant in disease. Therefore, it has been classified as a Variant of Uncertain Significance.

NM_002661.5(PLCG2):c.2671G>A (p.Asp891Asn)

Gene: PLCG2 (phospholipase C gamma 2; plus strand). Cytogenetic location: 16q23.3.
Variant type: single nucleotide variant.
Coding change: c.2671G>A on transcript NM_002661.5 (MANE Select); coding-DNA position 2671, G replaced by A.
Protein change: p.Asp891Asn; replaces aspartic acid 891 with asparagine.
Molecular consequence: missense variant.
Genome position (GRCh38, 1-based): chr16:81,931,586, G>A. VCF-style: chr16-81931586-G-A. GRCh37 (hg19) VCF-style: chr16-81965191-G-A.
Other names: short protein forms D891N.
Identifiers: ClinVar variation 1383088 (VCV001383088.8), dbSNP rs770349960, ClinGen allele CA8194393.
Genomic context (GRCh38, chr16:81,931,586, plus strand): 5'-TCCTTTGTCTTCATCCTGGAGCCCAAGCAGCAGGGCGATCCTCCGGTGGAGTTTGCCACA[G>A]ACAGGGTGGAGGAGCTCTTTGAGTGGTTTCAGAGCATCCGAGAGATCACCTGGAAGATTG-3'
Protein context (NP_002652.2, residues 881-901): QGDPPVEFAT[Asp891Asn]RVEELFEWFQ